The following is an entry in ClinVar:

NM_001365951.3(KIF1B):c.4947-4_4947-2dup

Gene: KIF1B (kinesin family member 1B; plus strand). Cytogenetic location: 1p36.22.
Variant type: Duplication.
Coding change: c.4947-4_4947-2dup on transcript NM_001365951.3 (MANE Select); 4 bases into the intron before coding-DNA position 4947 through the canonical splice acceptor site of the intron before coding-DNA position 4947, 3 bases duplicated (AAA; older notation c.4947-4_4947-2dupAAA).
Molecular consequence: splice acceptor variant.
Genome position (GRCh38, 1-based): chr1:10,374,312-10,374,314, AAA duplicated. VCF-style (leftmost placement, unchanged base first): chr1-10374311-T-TAAA. GRCh37 (hg19) VCF-style: chr1-10434369-T-TAAA.
Other names: c.4809-4_4809-2dup (NM_015074.3); c.4947-4_4947-2dup (NM_001365952.1); c.4809-4_4809-2dupAAA (NM_015074.3).
Identifiers: ClinVar variation 2497128 (VCV002497128.3), dbSNP rs1638826842, ClinGen allele CA1153212417.

ClinVar aggregate classification (germline): Uncertain significance (1 of 4 stars; one submission).

Allele frequency attached by ClinVar (database versions not stated): TOPMed 0.00001.

Submission:

Ambry Genetics
Classification: Uncertain significance. Last evaluated: 2025-08-18. Review status: criteria provided, single submitter. Criteria: Ambry Variant Classification Scheme 2023. Collection method: clinical testing. Allele origin: germline.
Comment: The c.4809-4_4809-2dupAAA intronic variant, results from a duplication of 6 nucleotides at nucleotide position 4809 before intron 42 of the KIF1B gene. This nucleotide position is not well conserved in available vertebrate species. In silico splice site analysis predicts that this alteration will not have any significant effect on splicing. The evidence for this gene-disease relationship is limited; therefore, the clinical significance of this alteration is unclear.